The following is an entry in ClinVar:

NM_000059.4(BRCA2):c.283G>C (p.Val95Leu)

Gene: BRCA2 (BRCA2 DNA repair associated; plus strand). Cytogenetic location: 13q13.1.
Variant type: single nucleotide variant.
Coding change: c.283G>C on transcript NM_000059.4 (MANE Select); coding-DNA position 283, G replaced by C.
Protein change: p.Val95Leu; replaces valine 95 with leucine.
Molecular consequence: missense variant.
Genome position (GRCh38, 1-based): chr13:32,319,292, G>C. VCF-style: chr13-32319292-G-C. GRCh37 (hg19) VCF-style: chr13-32893429-G-C.
Other names: c.283G>C, p.Val95Leu (NM_001406719.1, NM_001406720.1, NM_001406721.1); c.-87G>C (NM_001406722.1); short protein forms V95L.
Identifiers: ClinVar variation 1721674 (VCV001721674.9), dbSNP rs1566216059, ClinGen allele CA387754610.

ClinVar aggregate classification (germline): Conflicting classifications of pathogenicity. Review status: criteria provided, conflicting classifications (1 of 4 stars). 3 submissions from 3 submitters: Uncertain significance (2); Likely benign (1). Last evaluated 2025-06-23.

Conditions:
Hereditary cancer-predisposing syndrome. Also called: Hereditary neoplastic syndrome; Neoplastic Syndromes, Hereditary; Hereditary Cancer Syndrome; Tumor predisposition. Identifiers: Orphanet 140162, MedGen C0027672, MeSH D009386, MONDO:0015356.
Hereditary breast ovarian cancer syndrome. Also called: BRCA1- and BRCA2-Associated Hereditary Breast and Ovarian Cancer; Hereditary breast and ovarian cancer syndrome (HBOC); Hereditary breast and/or ovarian cancer syndrome; Hereditary breast and ovarian cancer syndrome; Hereditary breast and ovarian cancer; Breast and ovarian cancer. Identifiers: Orphanet 145, MedGen C0677776, MeSH D061325, MONDO:0003582. Disease mechanism: loss of function.

Submissions (3):

Quest Diagnostics Nichols Institute San Juan Capistrano
Classification: Uncertain significance. Last evaluated: 2025-06-23. Review status: criteria provided, single submitter. Criteria: Quest Diagnostics criteria. Collection method: clinical testing. Allele origin: unknown.
Comment: The BRCA2 c.283G>C (p.Val95Leu) variant has not been reported in individuals with BRCA2-related conditions in the published literature. It also has not been reported in large, multi-ethnic general populations (Genome Aggregation Database). Analysis of this variant using bioinformatics tools for the prediction of the effect of amino acid changes on protein structure and function yielded predictions that this variant is benign. Based on the available information, we are unable to determine the clinical significance of this variant.

Labcorp Genetics (formerly Invitae), Labcorp
Classification: Uncertain significance for Hereditary breast ovarian cancer syndrome. Last evaluated: 2024-01-30. Review status: criteria provided, single submitter. Criteria: Invitae Variant Classification Sherloc (09022015). Collection method: clinical testing. Allele origin: germline.
Comment: This sequence change replaces valine, which is neutral and non-polar, with leucine, which is neutral and non-polar, at codon 95 of the BRCA2 protein (p.Val95Leu). This variant is not present in population databases (gnomAD no frequency). This variant has not been reported in the literature in individuals affected with BRCA2-related conditions. ClinVar contains an entry for this variant (Variation ID: 1721674). Advanced modeling of protein sequence and biophysical properties (such as structural, functional, and spatial information, amino acid conservation, physicochemical variation, residue mobility, and thermodynamic stability) performed at Invitae indicates that this missense variant is not expected to disrupt BRCA2 protein function with a negative predictive value of 95%. In summary, the available evidence is currently insufficient to determine the role of this variant in disease. Therefore, it has been classified as a Variant of Uncertain Significance.

Ambry Genetics
Classification: Likely benign for Hereditary cancer-predisposing syndrome. Last evaluated: 2021-07-12. Review status: criteria provided, single submitter. Criteria: Ambry Variant Classification Scheme 2023. Collection method: clinical testing. Allele origin: germline.